The following is an entry in ClinVar:

NM_000363.5(TNNI3):c.245C>A (p.Pro82Gln)

Gene: TNNI3 (troponin I3, cardiac type; minus strand). Cytogenetic location: 19q13.42.
Variant type: single nucleotide variant.
Coding change: c.245C>A on transcript NM_000363.5 (MANE Select); coding-DNA position 245, C replaced by A.
Protein change: p.Pro82Gln; replaces proline 82 with glutamine.
Molecular consequence: missense variant.
Genome position (GRCh38, 1-based): chr19:55,156,238, G>T on the plus strand (C>A on the coding strand, the complement: TNNI3 is on the minus strand). VCF-style: chr19-55156238-G-T. GRCh37 (hg19) VCF-style: chr19-55667606-G-T.
Other names: short protein forms P82Q.
Identifiers: ClinVar variation 4527032 (VCV004527032.1).
Genomic context (GRCh38, chr19:55,156,238, plus strand): 5'-CTCGCATCCTTGGGAGCCGGTACCTGCAGCTCCGCGAAGCCCAGCCCGGCCAACTCCAGC[G>T]GCTGGCAGCGGGTGCTCAGAGCGCGCCCCTTCTCTCCGCGCCGCTCCTCCGCCTCTCGCT-3'
Protein context (NP_000354.4, residues 72-92): KGRALSTRCQ[Pro82Gln]LELAGLGFAE

ClinVar aggregate classification (germline): Uncertain significance (1 of 4 stars; one submission).

gnomAD v4.1: 1 of 1,612,504 alleles (0.000062%); highest among the groups gnomAD compares: Middle Eastern, 0.017%; no homozygotes.

Submission:

GeneDx
Classification: Uncertain significance. Last evaluated: 2025-04-21. Review status: criteria provided, single submitter. Criteria: GeneDx Variant Classification Process June 2021. Collection method: clinical testing. Allele origin: germline. Affected: yes.
Comment: Not observed at significant frequency in large population cohorts (gnomAD); In silico analysis supports that this missense variant has a deleterious effect on protein structure/function; Has not been previously published as pathogenic or benign to our knowledge